The following is an entry in ClinVar:

ClinVar aggregate classification (germline): Uncertain significance (1 of 4 stars; one submission).

Conditions:
MAGEL2-related disorder. Also called: MAGEL2-related condition.

Submission:

PreventionGenetics, part of Exact Sciences
Classification: Uncertain significance for MAGEL2-related condition. Last evaluated: 2025-06-30. Review status: criteria provided, single submitter. Criteria: ACMG Guidelines, 2015. Collection method: clinical testing. Allele origin: germline.
Comment: The MAGEL2 c.1781C>G variant is predicted to result in the amino acid substitution p.Pro594Arg. To our knowledge, this variant has not been reported in the literature or in a large population database (gnomAD), indicating this variant is rare. At this time, the clinical significance of this variant is uncertain due to the absence of conclusive functional and genetic evidence.

NM_019066.5(MAGEL2):c.1781C>G (p.Pro594Arg)

Gene: MAGEL2 (MAGE family member L2; minus strand). Cytogenetic location: 15q11.2.
Variant type: single nucleotide variant.
Coding change: c.1781C>G on transcript NM_019066.5 (MANE Select); coding-DNA position 1781, C replaced by G.
Protein change: p.Pro594Arg; replaces proline 594 with arginine.
Molecular consequence: missense variant.
Genome position (GRCh38, 1-based): chr15:23,645,962, G>C on the plus strand (C>G on the coding strand, the complement: MAGEL2 is on the minus strand). VCF-style: chr15-23645962-G-C. GRCh37 (hg19) VCF-style: chr15-23891109-G-C.
Other names: short protein forms P594R.
Identifiers: ClinVar variation 5001764 (VCV005001764.1).